The following is an entry in ClinVar:

NM_000419.5(ITGA2B):c.625-1G>A

Gene: ITGA2B (integrin subunit alpha 2b; minus strand). Cytogenetic location: 17q21.31.
Variant type: single nucleotide variant.
Coding change: c.625-1G>A on transcript NM_000419.5 (MANE Select); the canonical splice acceptor site of the intron before coding-DNA position 625, G replaced by A.
Molecular consequence: splice acceptor variant.
Genome position (GRCh38, 1-based): chr17:44,385,210, C>T on the plus strand (G>A on the coding strand, the complement: ITGA2B is on the minus strand). VCF-style: chr17-44385210-C-T. GRCh37 (hg19) VCF-style: chr17-42462578-C-T.
Other names: NM_000419.5:c.625-1G>A.
Identifiers: ClinVar variation 1330346 (VCV001330346.1), dbSNP rs2143485431, ClinGen allele CA399805552.

ClinVar aggregate classification (germline): Pathogenic (3 of 4 stars; one submission).

Conditions:
Glanzmann thrombasthenia. Also called: THROMBASTHENIA OF GLANZMANN AND NAEGELI; BLEEDING DISORDER, PLATELET-TYPE, 2; Thrombasthenia; PLATELET GLYCOPROTEIN IIb-IIIa DEFICIENCY; Glanzmann's thrombasthenia. Identifiers: Orphanet 849, MedGen C0040015, MONDO:0100326.

Submission:

ClinGen Platelet Disorders Variant Curation Expert Panel, ClinGen
Classification: Pathogenic for Glanzmann thrombasthenia. Last evaluated: 2021-09-03. Review status: reviewed by expert panel. Criteria: ClinGen Platelet ACMG Specifications v2. Collection method: curation. Allele origin: germline. Inheritance: Autosomal recessive inheritance.
Comment: The NM_000419.5:c.625-1G>A variant in ITGA2B occurs within the canonical splice acceptor site of intron 5. It is predicted to cause skipping of biologically-relevant-exon 6/30, resulting in a frameshift (p.(Ala209Valfs*155) with a premature stop codon in exon 12/30 leading to nonsense mediated decay in a gene in which loss-of-function is an established disease mechanism (PVS1). At least one proband has been reported with this variant, GT35 of PMID: 29675921 meets the criteria for PP4_strong. This variant is absent from gnomAD v2.1.1 (PM2_Supporting). In summary, this variant meets the criteria to be classified as Pathogenic for autosomal recessive Glanzmann Thrombasthenia based on the ACMG/AMP criteria applied, as specified by the ClinGen PD VCEP: PVS1, PM2_supporting, PP4_strong. (VCEP specifications version 2; date of approval 09/02/2021)